The following is an entry in ClinVar:

NM_003900.5(SQSTM1):c.178C>T (p.Pro60Ser)

Genes: SQSTM1 (sequestosome 1; plus strand), LOC129995449 (ATAC-STARR-seq lymphoblastoid silent region 16749; plus strand). Cytogenetic location: 5q35.3.
Variant type: single nucleotide variant.
Coding change: c.178C>T on transcript NM_003900.5 (MANE Select); coding-DNA position 178, C replaced by T.
Protein change: p.Pro60Ser; replaces proline 60 with serine.
Molecular consequence: missense variant. On other transcripts: intron variant (2).
Genome position (GRCh38, 1-based): chr5:179,821,114, C>T. VCF-style: chr5-179821114-C-T. GRCh37 (hg19) VCF-style: chr5-179248114-C-T.
Other names: c.-47-1844C>T (NM_001142298.2, NM_001142299.2); short protein forms P60S.
Identifiers: ClinVar variation 1391276 (VCV001391276.8), dbSNP rs1411304344, ClinGen allele CA362442514.

ClinVar aggregate classification (germline): Uncertain significance (1 of 4 stars; one submission).

Conditions:
Frontotemporal dementia and/or amyotrophic lateral sclerosis 1 (FTDALS1). Also called: Frontotemporal dementia with motor neuron disease 1; C9orf72 Frontotemporal Dementia and/or Amyotrophic Lateral Sclerosis. Identifiers: Orphanet 275872, MedGen C5779877, MONDO:0007105, OMIM 105550.
Paget disease of bone 2, early-onset (PDB2). Also called: Paget disease of bone 2. Identifiers: MedGen C4085251, MONDO:0011183, OMIM 602080.

Allele frequency attached by ClinVar (database versions not stated): gnomAD exomes below 0.00001.
gnomAD v4.1: 3 of 1,387,232 alleles (0.00022%); highest among the groups gnomAD compares: Non-Finnish European, 0.00028%; no homozygotes.

Submission:

Labcorp Genetics (formerly Invitae), Labcorp
Classification: Uncertain significance for Paget disease of bone 2, early-onset; Frontotemporal dementia and/or amyotrophic lateral sclerosis 1. Last evaluated: 2022-10-19. Review status: criteria provided, single submitter. Criteria: Invitae Variant Classification Sherloc (09022015). Collection method: clinical testing. Allele origin: germline.
Comment: This variant is not present in population databases (gnomAD no frequency). This sequence change replaces proline, which is neutral and non-polar, with serine, which is neutral and polar, at codon 60 of the SQSTM1 protein (p.Pro60Ser). This variant has not been reported in the literature in individuals affected with SQSTM1-related conditions. ClinVar contains an entry for this variant (Variation ID: 1391276). Advanced modeling of protein sequence and biophysical properties (such as structural, functional, and spatial information, amino acid conservation, physicochemical variation, residue mobility, and thermodynamic stability) performed at Invitae indicates that this missense variant is not expected to disrupt SQSTM1 protein function. In summary, the available evidence is currently insufficient to determine the role of this variant in disease. Therefore, it has been classified as a Variant of Uncertain Significance.